The following is an entry in ClinVar:

ClinVar aggregate classification (germline): Uncertain significance (1 of 4 stars; one submission).

Allele frequency attached by ClinVar (database versions not stated): gnomAD exomes below 0.00001; gnomAD 0.00001; TOPMed 0.00001.
gnomAD v4.1: 5 of 1,614,074 alleles (0.00031%); highest among the groups gnomAD compares: Non-Finnish European, 0.00042%; no homozygotes.

Submission:

Labcorp Genetics (formerly Invitae), Labcorp
Classification: Uncertain significance. Last evaluated: 2021-12-23. Review status: criteria provided, single submitter. Criteria: Invitae Variant Classification Sherloc (09022015). Collection method: clinical testing. Allele origin: germline.
Comment: In summary, the available evidence is currently insufficient to determine the role of this variant in disease. Therefore, it has been classified as a Variant of Uncertain Significance. Algorithms developed to predict the effect of missense changes on protein structure and function output the following: SIFT: "Tolerated"; PolyPhen-2: "Benign"; Align-GVGD: "Class C0". The leucine amino acid residue is found in multiple mammalian species, which suggests that this missense change does not adversely affect protein function. This variant has not been reported in the literature in individuals affected with MMP2-related conditions. This variant is not present in population databases (gnomAD no frequency). This sequence change replaces phenylalanine, which is neutral and non-polar, with leucine, which is neutral and non-polar, at codon 148 of the MMP2 protein (p.Phe148Leu).

NM_004530.6(MMP2):c.442T>C (p.Phe148Leu)

Gene: MMP2 (matrix metallopeptidase 2; plus strand). Cytogenetic location: 16q12.2.
Variant type: single nucleotide variant.
Coding change: c.442T>C on transcript NM_004530.6 (MANE Select); coding-DNA position 442, T replaced by C.
Protein change: p.Phe148Leu; replaces phenylalanine 148 with leucine.
Molecular consequence: missense variant.
Genome position (GRCh38, 1-based): chr16:55,484,077, T>C. VCF-style: chr16-55484077-T-C. GRCh37 (hg19) VCF-style: chr16-55517989-T-C.
Other names: c.292T>C, p.Phe98Leu (NM_001127891.3); c.214T>C, p.Phe72Leu (NM_001302508.1, NM_001302509.2, NM_001302510.2); short protein forms F98L, F148L, F72L.
Identifiers: ClinVar variation 2020056 (VCV002020056.2), dbSNP rs1962176214, ClinGen allele CA395931967.